The following is an entry in ClinVar:

ClinVar aggregate classification (germline): Likely pathogenic (1 of 4 stars; one submission).

Conditions:
PKD1-related disorder. Also called: PKD1-related condition.

Submission:

PreventionGenetics, part of Exact Sciences
Classification: Likely pathogenic for PKD1-related condition. Last evaluated: 2026-08-04. Review status: criteria provided, single submitter. Criteria: ACMG Guidelines, 2015. Collection method: clinical testing. Allele origin: germline.
Comment: The PKD1 c.11344_11345delinsCAG variant is predicted to result in a frameshift and premature protein termination (p.Asp3782Glnfs*34). To our knowledge, this variant has not been reported in the literature or in a large population database (gnomAD), indicating this variant is rare. Frameshift variants in PKD1 are expected to be pathogenic. This variant is interpreted as likely pathogenic.

NM_001009944.3(PKD1):c.11344_11345delinsCAG (p.Asp3782fs)

Genes: PKD1 (polycystin 1, transient receptor potential channel interacting; minus strand), PKD1-AS1 (PKD1 antisense RNA 1; plus strand). Cytogenetic location: 16p13.3.
Variant type: Indel.
Coding change: c.11344_11345delinsCAG on transcript NM_001009944.3 (MANE Select); coding-DNA positions 11344 to 11345, GA replaced by CAG.
Protein change: p.Asp3782fs; shifts the reading frame from aspartic acid 3782.
Molecular consequence: frameshift variant.
Genome position (GRCh38, 1-based): chr16:2,092,113-2,092,114, TC replaced by CTG on the plus strand (GA replaced by CAG on the coding strand, the reverse complement: PKD1 is on the minus strand). VCF-style: chr16-2092113-TC-CTG. GRCh37 (hg19) VCF-style: chr16-2142114-TC-CTG.
Other names: c.11341_11342delinsCAG, p.Asp3781fs (NM_000296.4); c.11344_11345delGAinsCAG, p.Asp3782Glnfs (NM_001009944.2); short protein forms D3781fs, D3782fs.
Identifiers: ClinVar variation 4995118 (VCV004995118.1).